The following is an entry in ClinVar:

NM_000894.3(LHB):c.89A>G (p.His30Arg)

Gene: LHB (luteinizing hormone subunit beta; minus strand). Cytogenetic location: 19q13.33.
Variant type: single nucleotide variant.
Coding change: c.89A>G on transcript NM_000894.3 (MANE Select); coding-DNA position 89, A replaced by G.
Protein change: p.His30Arg; replaces histidine 30 with arginine.
Molecular consequence: missense variant.
Genome position (GRCh38, 1-based): chr19:49,016,641, T>C on the plus strand (A>G on the coding strand, the complement: LHB is on the minus strand). VCF-style: chr19-49016641-T-C. GRCh37 (hg19) VCF-style: chr19-49519898-T-C.
Other names: short protein forms H30R.
Identifiers: ClinVar variation 1430143 (VCV001430143.4), dbSNP rs35270001, ClinGen allele CA9564403.
Genomic context (GRCh38, chr19:49,016,641, plus strand): 5'-TTGACGGTGATGCACACTGGGCAGCCCTCCTTCTCGACAGCCAGGATGGCATTGATGGGG[T>C]GGCACCATGGCCGAAGCGGCTCCCTGGATGCCCATGCCCCGCCCATGCTCAGCAGCAGCA-3'
Protein context (NP_000885.1, residues 20-40): ASREPLRPWC[His30Arg]PINAILAVEK

ClinVar aggregate classification (germline): Uncertain significance. Review status: criteria provided, multiple submitters, no conflicts (2 of 4 stars). 2 submissions from 2 submitters: Uncertain significance (2). Last evaluated 2025-07-03.

Conditions:
Hypogonadotropic hypogonadism. Also called: Hypogonadotrophic hypogonadism; Isolated hypogonadotropic hypogonadism; Hypogonadotropic hypogonadism with or without anosmia; Low gonadotropins (secondary hypogonadism). Identifiers: Orphanet 432, MedGen C0271623, MONDO:0018555, HP:0000044.

Allele frequency attached by ClinVar (database versions not stated): ExAC 0.00088; gnomAD exomes 0.00029 and 0.00057; gnomAD 0.00260; 1000 Genomes Project 30x 0.00250.
gnomAD v4.1: 826 of 1,611,026 alleles (0.051%); highest among the groups gnomAD compares: African/African-American, 0.74%; 6 homozygotes.

Submissions (2):

Cambridge Genomics Laboratory, East Genomic Laboratory Hub, NHS Genomic Medicine Service
Classification: Uncertain significance for Hypogonadotropic hypogonadism. Last evaluated: 2025-07-03. Review status: criteria provided, single submitter. Criteria: ACGS Best Practice Guidelines for Variant Classification in Rare Disease 2020. Collection method: clinical testing. Allele origin: germline. Affected: yes.
Comment: BP4

Labcorp Genetics (formerly Invitae), Labcorp
Classification: Uncertain significance. Last evaluated: 2021-09-28. Review status: criteria provided, single submitter. Criteria: Invitae Variant Classification Sherloc (09022015). Collection method: clinical testing. Allele origin: germline.
Comment: This sequence change replaces histidine with arginine at codon 30 of the LHB protein (p.His30Arg). The histidine residue is weakly conserved and there is a small physicochemical difference between histidine and arginine. The frequency data for this variant in the population databases is considered unreliable, as metrics indicate poor data quality at this position in the ExAC database. This variant has not been reported in the literature in individuals affected with LHB-related conditions. Algorithms developed to predict the effect of missense changes on protein structure and function output the following: SIFT: "Tolerated"; PolyPhen-2: "Benign"; Align-GVGD: "Class C0". The arginine amino acid residue is found in multiple mammalian species, which suggests that this missense change does not adversely affect protein function. In summary, the available evidence is currently insufficient to determine the role of this variant in disease. Therefore, it has been classified as a Variant of Uncertain Significance.